The following is an entry in ClinVar:

NM_001330288.2(SMARCC2):c.830T>C (p.Leu277Pro)

Gene: SMARCC2 (SWI/SNF related BAF chromatin remodeling complex subunit C2; minus strand). Cytogenetic location: 12q13.2.
Variant type: single nucleotide variant.
Coding change: c.830T>C on transcript NM_001330288.2 (MANE Select); coding-DNA position 830, T replaced by C.
Protein change: p.Leu277Pro; replaces leucine 277 with proline.
Molecular consequence: missense variant.
Genome position (GRCh38, 1-based): chr12:56,181,714, A>G on the plus strand (T>C on the coding strand, the complement: SMARCC2 is on the minus strand). VCF-style: chr12-56181714-A-G. GRCh37 (hg19) VCF-style: chr12-56575498-A-G.
Other names: c.830T>C, p.Leu277Pro (NM_001130420.3, NM_003075.5, NM_139067.4); short protein forms L277P.
Identifiers: ClinVar variation 4755905 (VCV004755905.1).

ClinVar aggregate classification (germline): Uncertain significance (1 of 4 stars; one submission).

gnomAD v4.1: 1 of 1,614,202 alleles (0.000062%); highest among the groups gnomAD compares: Non-Finnish European, 0.000085%; no homozygotes.

Submission:

GeneDx
Classification: Uncertain significance. Last evaluated: 2025-08-05. Review status: criteria provided, single submitter. Criteria: GeneDx Variant Classification Process June 2021. Collection method: clinical testing. Allele origin: germline. Affected: yes.
Comment: Not observed at significant frequency in large population cohorts (gnomAD); In silico analysis supports that this missense variant has a deleterious effect on protein structure/function; Has not been previously published as pathogenic or benign to our knowledge